The following is an entry in ClinVar:

NM_001276270.2(MBD4):c.1542A>T (p.Ser514=)

Gene: MBD4 (methyl-CpG binding domain 4, DNA glycosylase; minus strand). Cytogenetic location: 3q21.3.
Variant type: single nucleotide variant.
Coding change: c.1542A>T on transcript NM_001276270.2 (MANE Select); coding-DNA position 1542, A replaced by T.
Protein change: p.Ser514=; no amino-acid change (serine 514 retained).
Molecular consequence: synonymous variant.
Genome position (GRCh38, 1-based): chr3:129,433,099, T>A on the plus strand (A>T on the coding strand, the complement: MBD4 is on the minus strand). VCF-style: chr3-129433099-T-A. GRCh37 (hg19) VCF-style: chr3-129151942-T-A.
Other names: c.1560A>T, p.Ser520= (NM_001276271.2, NM_001276272.2, NM_003925.3); c.606A>T, p.Ser202= (NM_001276273.2).
Identifiers: ClinVar variation 4721076 (VCV004721076.1).
Genomic context (GRCh38, chr3:129,433,099, plus strand): 5'-TGGCTCTCTTAAATAAGCACAATGTATTATGTTTTTCCTTTGGGTGTATAGGAAAATACC[T>A]GAGAACTTGACAATGGTTTTTGCCCGAAGATCGTAGAGACCAAGAGGTTTAAGAAGTTCT-3'
Protein context (NP_001263199.1, residues 504-524): DLRAKTIVKF[Ser514=]DEYLTKQWKY

ClinVar aggregate classification (germline): Uncertain significance (1 of 4 stars; one submission).

gnomAD v4.1: 1 of 1,614,196 alleles (0.000062%); highest among the groups gnomAD compares: Non-Finnish European, 0.000085%; no homozygotes.

Submission:

Labcorp Genetics (formerly Invitae), Labcorp
Classification: Uncertain significance. Last evaluated: 2025-06-09. Review status: criteria provided, single submitter. Criteria: Invitae Variant Classification Sherloc (09022015). Collection method: clinical testing. Allele origin: germline.
Comment: This sequence change affects codon 520 of the MBD4 mRNA. It is a 'silent' change, meaning that it does not change the encoded amino acid sequence of the MBD4 protein. It affects a nucleotide within the consensus splice site. This variant is not present in population databases (gnomAD no frequency). This variant has not been reported in the literature in individuals affected with MBD4-related conditions. Algorithms developed to predict the effect of sequence changes on RNA splicing suggest that this variant may disrupt the consensus splice site. In summary, the available evidence is currently insufficient to determine the role of this variant in disease. Therefore, it has been classified as a Variant of Uncertain Significance.